The following is an entry in ClinVar:

ClinVar aggregate classification (germline): Uncertain significance (1 of 4 stars; one submission).

Conditions:
Multiple gastrointestinal atresias. Also called: FAMILIAL INTESTINAL POLYATRESIA SYNDROME; Multiple intestinal atresia. Identifiers: Orphanet 2300, MedGen C0220744, MONDO:0009465.

Allele frequency attached by ClinVar (database versions not stated): gnomAD exomes 0.00002; gnomAD 0.00004 and 0.00005; TOPMed 0.00004.
gnomAD v4.1: 51 of 1,614,086 alleles (0.0032%); highest among the groups gnomAD compares: Non-Finnish European, 0.0036%; no homozygotes.

Submission:

Labcorp Genetics (formerly Invitae), Labcorp
Classification: Uncertain significance for Multiple gastrointestinal atresias. Last evaluated: 2022-01-15. Review status: criteria provided, single submitter. Criteria: Invitae Variant Classification Sherloc (09022015). Collection method: clinical testing. Allele origin: germline.
Comment: This sequence change replaces isoleucine, which is neutral and non-polar, with methionine, which is neutral and non-polar, at codon 126 of the TTC7A protein (p.Ile126Met). In summary, the available evidence is currently insufficient to determine the role of this variant in disease. Therefore, it has been classified as a Variant of Uncertain Significance. Algorithms developed to predict the effect of missense changes on protein structure and function (SIFT, PolyPhen-2, Align-GVGD) all suggest that this variant is likely to be tolerated. ClinVar contains an entry for this variant (Variation ID: 1060365). This variant has not been reported in the literature in individuals affected with TTC7A-related conditions. This variant is present in population databases (no rsID available, gnomAD 0.006%).

NM_020458.4(TTC7A):c.378C>G (p.Ile126Met)

Gene: TTC7A (tetratricopeptide repeat domain 7A; plus strand). Cytogenetic location: 2p21.
Variant type: single nucleotide variant.
Coding change: c.378C>G on transcript NM_020458.4 (MANE Select); coding-DNA position 378, C replaced by G.
Protein change: p.Ile126Met; replaces isoleucine 126 with methionine.
Molecular consequence: missense variant. On other transcripts: 5 prime UTR variant (1).
Genome position (GRCh38, 1-based): chr2:46,956,868, C>G. VCF-style: chr2-46956868-C-G. GRCh37 (hg19) VCF-style: chr2-47184007-C-G.
Other names: c.378C>G, p.Ile126Met (NM_001288951.2); c.276C>G, p.Ile92Met (NM_001288953.2); c.-527C>G (NM_001288955.2); short protein forms I126M, I92M.
Identifiers: ClinVar variation 1060365 (VCV001060365.7), dbSNP rs995588757, ClinGen allele CA46622498.
Genomic context (GRCh38, chr2:46,956,868, plus strand): 5'-AGGCGCTGGTAACATGTCCTTGTCATTTCAGCCACAGTACATGTGTGAGGCCATGCTGAT[C>G]CTGGGCAAACTGCATTACGTGGAGGGCTCATACCGAGATGCCATCAGCATGTACGCACGG-3'
Protein context (NP_065191.2, residues 116-136): SPQYMCEAML[Ile126Met]LGKLHYVEGS